The following is an entry in ClinVar:

NM_004415.4(DSP):c.6646C>T (p.Pro2216Ser)

Gene: DSP (desmoplakin; plus strand). Cytogenetic location: 6p24.3.
Variant type: single nucleotide variant.
Coding change: c.6646C>T on transcript NM_004415.4 (MANE Select); coding-DNA position 6646, C replaced by T.
Protein change: p.Pro2216Ser; replaces proline 2216 with serine.
Molecular consequence: missense variant.
Genome position (GRCh38, 1-based): chr6:7,583,908, C>T. VCF-style: chr6-7583908-C-T. GRCh37 (hg19) VCF-style: chr6-7584141-C-T.
Other names: c.4849C>T, p.Pro1617Ser (NM_001008844.3); c.5317C>T, p.Pro1773Ser (NM_001319034.2); short protein forms P1617S, P1773S, P2216S.
Identifiers: ClinVar variation 3075037 (VCV003075037.3), dbSNP rs1425265923, ClinGen allele CA362691244.

ClinVar aggregate classification (germline): Uncertain significance. Review status: criteria provided, multiple submitters, no conflicts (2 of 4 stars). 3 submissions from 3 submitters: Uncertain significance (3). Last evaluated 2025-07-06.

Conditions:
Cardiovascular phenotype. Identifiers: MedGen CN230736.
Arrhythmogenic right ventricular dysplasia 8 (ARVD8). Also called: ARRHYTHMOGENIC RIGHT VENTRICULAR DYSPLASIA, FAMILIAL, 8; ARRHYTHMOGENIC RIGHT VENTRICULAR CARDIOMYOPATHY 8; Arrhythmogenic Right Ventricular Dysplasia/Cardiomyopathy 8. Identifiers: MedGen C1843896, MONDO:0011831, OMIM 607450.
Arrhythmogenic cardiomyopathy with wooly hair and keratoderma. Also called: PALMOPLANTAR KERATODERMA WITH LEFT VENTRICULAR CARDIOMYOPATHY AND WOOLLY HAIR; Carvajal syndrome; Dilated cardiomyopathy with woolly hair and keratoderma; Arrhythmogenic cardiomyopathy with woolly hair and keratoderma. Identifiers: Orphanet 65282, MedGen C1854063, MONDO:0011581, OMIM 605676.

gnomAD v4.1: 3 of 1,614,122 alleles (0.00019%); highest among the groups gnomAD compares: Non-Finnish European, 0.00017%; no homozygotes.

Submissions (3):

Ambry Genetics
Classification: Uncertain significance for Cardiovascular phenotype. Last evaluated: 2025-07-06. Review status: criteria provided, single submitter. Criteria: Ambry Variant Classification Scheme 2023. Collection method: clinical testing. Allele origin: germline.
Comment: The p.P2216S variant (also known as c.6646C>T), located in coding exon 24 of the DSP gene, results from a C to T substitution at nucleotide position 6646. The proline at codon 2216 is replaced by serine, an amino acid with similar properties. This amino acid position is conserved. In addition, this alteration is predicted to be tolerated by in silico analysis. Based on the available evidence, the clinical significance of this variant remains unclear.

Labcorp Genetics (formerly Invitae), Labcorp
Classification: Uncertain significance for Arrhythmogenic cardiomyopathy with wooly hair and keratoderma; Arrhythmogenic right ventricular dysplasia 8. Last evaluated: 2024-10-19. Review status: criteria provided, single submitter. Criteria: Invitae Variant Classification Sherloc (09022015). Collection method: clinical testing. Allele origin: germline.
Comment: This sequence change replaces proline, which is neutral and non-polar, with serine, which is neutral and polar, at codon 2216 of the DSP protein (p.Pro2216Ser). This variant is not present in population databases (gnomAD no frequency). This variant has not been reported in the literature in individuals affected with DSP-related conditions. An algorithm developed to predict the effect of missense changes on protein structure and function (PolyPhen-2) suggests that this variant¬¨‚Ä†is likely to be tolerated. In summary, the available evidence is currently insufficient to determine the role of this variant in disease. Therefore, it has been classified as a Variant of Uncertain Significance.

All of Us Research Program, National Institutes of Health
Classification: Uncertain significance for Arrhythmogenic cardiomyopathy with wooly hair and keratoderma. Last evaluated: 2023-12-18. Review status: criteria provided, single submitter. Criteria: ACMG Guidelines, 2015. Collection method: clinical testing. Allele origin: germline. Inheritance: Autosomal dominant inheritance. Observed: 1 variant allele, 1 heterozygote.
Comment: This missense variant replaces proline with serine at codon 2216 of the DSP protein. Computational prediction suggests that this variant may not impact protein structure and function (internally defined REVEL score threshold <= 0.5, PMID: 27666373). To our knowledge, functional studies have not been reported for this variant. This variant has not been reported in individuals affected with DSP-related disorders in the literature. This variant has not been identified in the general population by the Genome Aggregation Database (gnomAD). The available evidence is insufficient to determine the role of this variant in disease conclusively. Therefore, this variant is classified as a Variant of Uncertain Significance.

This study involves interpretation of variants in research participants for the purpose of population health screening. Participant phenotype was not available at the time of variant classification. Additional details can be found in publication PMID: 35346344, PMCID: PMC8962531